The following is an entry in ClinVar:

NM_052859.4(RFT1):c.1521C>G (p.Phe507Leu)

Gene: RFT1 (RFT1 glycolipid translocator homolog; minus strand). Cytogenetic location: 3p21.1.
Variant type: single nucleotide variant.
Coding change: c.1521C>G on transcript NM_052859.4 (MANE Select); coding-DNA position 1521, C replaced by G.
Protein change: p.Phe507Leu; replaces phenylalanine 507 with leucine.
Molecular consequence: missense variant.
Genome position (GRCh38, 1-based): chr3:53,092,008, G>C on the plus strand (C>G on the coding strand, the complement: RFT1 is on the minus strand). VCF-style: chr3-53092008-G-C. GRCh37 (hg19) VCF-style: chr3-53126024-G-C.
Other names: short protein forms F507L.
Identifiers: ClinVar variation 1995286 (VCV001995286.4), dbSNP rs2470936227, ClinGen allele CA353226006.

ClinVar aggregate classification (germline): Uncertain significance (1 of 4 stars; one submission).

Conditions:
RFT1-congenital disorder of glycosylation (CDG1N). Also called: Congenital disorder of glycosylation type In; RFT1-CDG; CDG In. Identifiers: Orphanet 244310, MedGen C2677590, MONDO:0012783, OMIM 612015.

Submission:

Labcorp Genetics (formerly Invitae), Labcorp
Classification: Uncertain significance for RFT1-congenital disorder of glycosylation. Last evaluated: 2022-05-16. Review status: criteria provided, single submitter. Criteria: Invitae Variant Classification Sherloc (09022015). Collection method: clinical testing. Allele origin: germline.
Comment: This sequence change replaces phenylalanine, which is neutral and non-polar, with leucine, which is neutral and non-polar, at codon 507 of the RFT1 protein (p.Phe507Leu). This variant is not present in population databases (gnomAD no frequency). This variant has not been reported in the literature in individuals affected with RFT1-related conditions. Algorithms developed to predict the effect of missense changes on protein structure and function output the following: SIFT: "Tolerated"; PolyPhen-2: "Benign"; Align-GVGD: "Class C0". The leucine amino acid residue is found in multiple mammalian species, which suggests that this missense change does not adversely affect protein function. In summary, the available evidence is currently insufficient to determine the role of this variant in disease. Therefore, it has been classified as a Variant of Uncertain Significance.